The following is an entry in ClinVar:

NM_016239.4(MYO15A):c.3359G>A (p.Arg1120His)

Gene: MYO15A (myosin XVA; plus strand). Cytogenetic location: 17p11.2.
Variant type: single nucleotide variant.
Coding change: c.3359G>A on transcript NM_016239.4 (MANE Select); coding-DNA position 3359, G replaced by A.
Protein change: p.Arg1120His; replaces arginine 1120 with histidine.
Molecular consequence: missense variant.
Genome position (GRCh38, 1-based): chr17:18,122,159, G>A. VCF-style: chr17-18122159-G-A. GRCh37 (hg19) VCF-style: chr17-18025473-G-A.
Other names: c.3359G>A (NM_016239.3); short protein forms R1120H.
Identifiers: ClinVar variation 1050171 (VCV001050171.8), dbSNP rs200738532, ClinGen allele CA8423445.

ClinVar aggregate classification (germline): Conflicting classifications of pathogenicity. Review status: criteria provided, conflicting classifications (1 of 4 stars). 4 submissions from 4 submitters: Uncertain significance (1); Benign (1); Likely benign (1). 1 of the submissions does not count toward it. Last evaluated 2025-03-24.

Conditions:
MYO15A-related disorder. Also called: MYO15A-related condition.

Allele frequency attached by ClinVar (database versions not stated): gnomAD 0.00052 and 0.00053; 1000 Genomes Project 0.00060; 1000 Genomes Project 30x 0.00062; ESP Exome Variant Server 0.00113.
gnomAD v4.1: 248 of 1,613,076 alleles (0.015%); highest among the groups gnomAD compares: African/African-American, 0.16%; 1 homozygote.

Submissions (4):

PreventionGenetics, part of Exact Sciences
Classification: Likely benign for MYO15A-related condition. Last evaluated: 2025-03-24. Review status: criteria provided, single submitter. Criteria: ACMG Guidelines, 2015. Collection method: clinical testing. Allele origin: germline.
Comment: This variant is classified as likely benign based on ACMG/AMP sequence variant interpretation guidelines (Richards et al. 2015 PMID: 25741868, with internal and published modifications).

Labcorp Genetics (formerly Invitae), Labcorp
Classification: Benign. Last evaluated: 2024-03-19. Review status: criteria provided, single submitter. Criteria: Invitae Variant Classification Sherloc (09022015). Collection method: clinical testing. Allele origin: germline.

Blueprint Genetics
Classification: Uncertain significance. Last evaluated: 2024-03-11. Review status: criteria provided, single submitter. Criteria: ACMG Guidelines, 2015. Collection method: clinical testing. Allele origin: germline.

Department of Pathology and Laboratory Medicine, Sinai Health System
Classification: Uncertain significance. Review status: no assertion criteria provided. Collection method: clinical testing. Allele origin: unknown. Affected: yes. Study: The Canadian Open Genetics Repository (COGR). Not counted in ClinVar's aggregate classification.
Comment: The MYO15A p.Arg1120His variant was not identified in the literature nor was it identified in ClinVar. The variant was identified in dbSNP (ID: rs200738532) and LOVD 3.0 (classified as likely benign by VKGL data sharing initiative Nederland). The variant was identified in control databases in 59 of 280168 chromosomes at a frequency of 0.0002106 (Genome Aggregation Database March 6, 2019, v2.1.1). The variant was observed in the following populations: African in 49 of 24122 chromosomes (freq: 0.002031), South Asian in 2 of 30600 chromosomes (freq: 0.000065), European (non-Finnish) in 7 of 128070 chromosomes (freq: 0.000055) and East Asian in 1 of 19524 chromosomes (freq: 0.000051), but was not observed in the Latino, Ashkenazi Jewish, European (Finnish), or Other populations. The p.Arg1120 residue is not conserved in mammals and four out of five computational analyses (PolyPhen-2, SIFT, AlignGVGD, BLOSUM, MutationTaster) do not suggest a high likelihood of impact to the protein; however, this information is not predictive enough to rule out pathogenicity. The variant occurs outside of the splicing consensus sequence and in silico or computational prediction software programs (SpliceSiteFinder, MaxEntScan, NNSPLICE, GeneSplicer) do not predict a difference in splicing. In summary, based on the above information the clinical significance of this variant cannot be determined with certainty at this time. This variant is classified as a variant of uncertain significance.